The following is an entry in ClinVar:

ClinVar aggregate classification (germline): Likely benign. Review status: criteria provided, multiple submitters, no conflicts (2 of 4 stars). 2 submissions from 2 submitters: Likely benign (2). Last evaluated 2024-06-10.

gnomAD v4.1: 1 of 1,614,112 alleles (0.000062%); no homozygotes.

Submissions (2):

Blueprint Genetics
Classification: Likely benign. Last evaluated: 2024-06-10. Review status: criteria provided, single submitter. Criteria: ACMG Guidelines, 2015. Collection method: clinical testing. Allele origin: germline.

CeGaT Center for Human Genetics Tuebingen
Classification: Likely benign. Last evaluated: 2023-08-01. Review status: criteria provided, single submitter. Criteria: CeGaT Center For Human Genetics Tuebingen Variant Classification Criteria Version 2. Collection method: clinical testing. Allele origin: germline. Affected: yes. Observed: 1 variant allele.
Comment: NSD1: PM2:Supporting, BP4, BP7

NM_022455.5(NSD1):c.3192T>C (p.Leu1064=)

Gene: NSD1 (nuclear receptor binding SET domain protein 1; plus strand). Cytogenetic location: 5q35.3.
Variant type: single nucleotide variant.
Coding change: c.3192T>C on transcript NM_022455.5 (MANE Select); coding-DNA position 3192, T replaced by C.
Protein change: p.Leu1064=; no amino-acid change (leucine 1064 retained).
Molecular consequence: synonymous variant.
Genome position (GRCh38, 1-based): chr5:177,211,591, T>C. VCF-style: chr5-177211591-T-C. GRCh37 (hg19) VCF-style: chr5-176638592-T-C.
Other names: c.2319T>C, p.Leu773= (NM_001365684.2, NM_001409306.1, NM_001409307.1 and 3 more transcripts); c.3192T>C, p.Leu1064= (NM_001409301.1, NM_001409302.1, NM_001409303.1); c.2772T>C, p.Leu924= (NM_001409304.1); c.2439T>C, p.Leu813= (NM_001409305.1).
Identifiers: ClinVar variation 2656104 (VCV002656104.25), dbSNP rs2480462746, ClinGen allele CA447960806.